The following is an entry in ClinVar:

ClinVar aggregate classification (germline): Likely benign (1 of 4 stars; one submission).

Submission:

CeGaT Center for Human Genetics Tuebingen
Classification: Likely benign. Last evaluated: 2025-05-01. Review status: criteria provided, single submitter. Criteria: CeGaT Center For Human Genetics Tuebingen Variant Classification Criteria Version 2. Collection method: clinical testing. Allele origin: germline. Affected: yes. Observed: 1 variant allele.
Comment: NBPF14: BP4, BP7

Single allele

Gene: NBPF14 (NBPF member 14; minus strand). Cytogenetic location: 1q21.2.
Variant type: single nucleotide variant.
Identifiers: ClinVar variation 3905163 (VCV003905163.7).